The following is an entry in ClinVar:

NM_005677.4(COLQ):c.43C>T (p.Leu15Phe)

Gene: COLQ (collagen like tail subunit of asymmetric acetylcholinesterase; minus strand). Cytogenetic location: 3p25.1.
Variant type: single nucleotide variant.
Coding change: c.43C>T on transcript NM_005677.4 (MANE Select); coding-DNA position 43, C replaced by T.
Protein change: p.Leu15Phe; replaces leucine 15 with phenylalanine.
Molecular consequence: missense variant.
Genome position (GRCh38, 1-based): chr3:15,521,583, G>A on the plus strand (C>T on the coding strand, the complement: COLQ is on the minus strand). VCF-style: chr3-15521583-G-A. GRCh37 (hg19) VCF-style: chr3-15563090-G-A.
Other names: c.43C>T, p.Leu15Phe (NM_080539.4); short protein forms L15F.
Identifiers: ClinVar variation 1004331 (VCV001004331.9), dbSNP rs762844921, ClinGen allele CA2276397.

ClinVar aggregate classification (germline): Uncertain significance (1 of 4 stars; one submission).

Conditions:
Congenital myasthenic syndrome 5. Identifiers: Orphanet 590, MedGen C1864233, MONDO:0011281, OMIM 603034.

Allele frequency attached by ClinVar (database versions not stated): TOPMed below 0.00001; ExAC 0.00002; gnomAD 0.00002 and 0.00003; gnomAD exomes 0.00004.
gnomAD v4.1: 17 of 1,614,072 alleles (0.0011%); highest among the groups gnomAD compares: East Asian, 0.033%; no homozygotes.

Submission:

Labcorp Genetics (formerly Invitae), Labcorp
Classification: Uncertain significance for Congenital myasthenic syndrome 5. Last evaluated: 2025-06-16. Review status: criteria provided, single submitter. Criteria: Invitae Variant Classification Sherloc (09022015). Collection method: clinical testing. Allele origin: germline.
Comment: This sequence change replaces leucine, which is neutral and non-polar, with phenylalanine, which is neutral and non-polar, at codon 15 of the COLQ protein (p.Leu15Phe). This variant is present in population databases (rs762844921, gnomAD 0.07%). This variant has not been reported in the literature in individuals affected with COLQ-related conditions. ClinVar contains an entry for this variant (Variation ID: 1004331). An algorithm developed to predict the effect of missense changes on protein structure and function (PolyPhen-2) suggests that this variant is likely to be disruptive. In summary, the available evidence is currently insufficient to determine the role of this variant in disease. Therefore, it has been classified as a Variant of Uncertain Significance.